The following is an entry in ClinVar:

NM_002160.4(TNC):c.6148C>T (p.Arg2050Cys)

Gene: TNC (tenascin C; minus strand). Cytogenetic location: 9q33.1.
Variant type: single nucleotide variant.
Coding change: c.6148C>T on transcript NM_002160.4 (MANE Select); coding-DNA position 6148, C replaced by T.
Protein change: p.Arg2050Cys; replaces arginine 2050 with cysteine.
Molecular consequence: missense variant.
Genome position (GRCh38, 1-based): chr9:115,029,381, G>A on the plus strand (C>T on the coding strand, the complement: TNC is on the minus strand). VCF-style: chr9-115029381-G-A. GRCh37 (hg19) VCF-style: chr9-117791660-G-A.
Other names: short protein forms R2050C.
Identifiers: ClinVar variation 1064904 (VCV001064904.3), dbSNP rs565954577, ClinGen allele CA5207440.

ClinVar aggregate classification (germline): Likely benign (1 of 4 stars; one submission).

Conditions:
Hearing impairment. Also called: Impaired Hearing. Identifiers: MedGen C1384666, MONDO:0005365, HP:0000365.

Allele frequency attached by ClinVar (database versions not stated): gnomAD 0.00002 and 0.00003; TOPMed 0.00002; gnomAD exomes 0.00003 and 0.00004; ExAC 0.00004; 1000 Genomes Project 30x 0.00016; 1000 Genomes Project 0.00020.
gnomAD v4.1: 49 of 1,613,978 alleles (0.003%); highest among the groups gnomAD compares: Middle Eastern, 0.05%; no homozygotes.

Submission:

Department of Otolaryngology – Head & Neck Surgery, Cochlear Implant Center
Classification: Likely benign for Hearing impairment. Last evaluated: 2021-04-12. Review status: criteria provided, single submitter. Criteria: ClinGen HL ACMG Specifications v1. Collection method: clinical testing. Allele origin: germline. Affected: yes.
Comment: PP3_Supporting, BS2_Strong, BP5_Supporting